The following is an entry in ClinVar:

NM_000070.3(CAPN3):c.1020G>T (p.Gly340=)

Gene: CAPN3 (calpain 3; plus strand). Cytogenetic location: 15q15.1.
Variant type: single nucleotide variant.
Coding change: c.1020G>T on transcript NM_000070.3 (MANE Select); coding-DNA position 1020, G replaced by T.
Protein change: p.Gly340=; no amino-acid change (glycine 340 retained).
Molecular consequence: synonymous variant.
Genome position (GRCh38, 1-based): chr15:42,392,713, G>T. VCF-style: chr15-42392713-G-T. GRCh37 (hg19) VCF-style: chr15-42684911-G-T.
Other names: c.1020G>T, p.Gly340= (NM_024344.2); c.876G>T, p.Gly292= (NM_173087.2).
Identifiers: ClinVar variation 284133 (VCV000284133.20), dbSNP rs372401631, ClinGen allele CA7511220.

ClinVar aggregate classification (germline): Conflicting classifications of pathogenicity. Review status: criteria provided, conflicting classifications (1 of 4 stars). 5 submissions from 5 submitters: Uncertain significance (1); Likely benign (4). Last evaluated 2026-02-12.

Conditions:
CAPN3-related disorder. Also called: CAPN3-related disorders; CAPN3-related condition. Identifiers: MedGen CN239245.
Autosomal recessive limb-girdle muscular dystrophy type 2A (LGMDR1). Also called: Limb-girdle muscular dystrophy, type 2A; Calpainopathy; LEYDEN-MOEBIUS MUSCULAR DYSTROPHY; MUSCULAR DYSTROPHY, PELVOFEMORAL; Muscular dystrophy, limb-girdle, type 2A, Amish. Identifiers: Orphanet 267, MedGen C1869123, MONDO:0009675, OMIM 253600. Disease mechanism: loss of function.

Allele frequency attached by ClinVar (database versions not stated): TOPMed 0.00007; ESP Exome Variant Server 0.00015; gnomAD exomes 0.00017 and 0.00022; ExAC 0.00029; gnomAD 0.00006.
gnomAD v4.1: 251 of 1,613,656 alleles (0.016%); highest among the groups gnomAD compares: Non-Finnish European, 0.019%; no homozygotes.

Submissions (5):

PreventionGenetics, part of Exact Sciences
Classification: Likely benign for CAPN3-related condition. Last evaluated: 2026-02-12. Review status: criteria provided, single submitter. Criteria: ACMG Guidelines, 2015. Collection method: clinical testing. Allele origin: germline.
Comment: This variant is classified as likely benign based on ACMG/AMP sequence variant interpretation guidelines (Richards et al. 2015 PMID: 25741868, with internal and published modifications).

Labcorp Genetics (formerly Invitae), Labcorp
Classification: Likely benign for Autosomal recessive limb-girdle muscular dystrophy type 2A. Last evaluated: 2025-12-17. Review status: criteria provided, single submitter. Criteria: Invitae Variant Classification Sherloc (09022015). Collection method: clinical testing. Allele origin: germline.

Blueprint Genetics
Classification: Likely benign. Last evaluated: 2024-10-30. Review status: criteria provided, single submitter. Criteria: ACMG Guidelines, 2015. Collection method: clinical testing. Allele origin: germline.

Revvity Omics, Revvity
Classification: Likely benign. Last evaluated: 2024-09-30. Review status: criteria provided, single submitter. Criteria: ACMG Guidelines, 2015. Collection method: clinical testing. Allele origin: germline.

Eurofins Ntd Llc (ga)
Classification: Uncertain significance. Last evaluated: 2018-02-12. Review status: criteria provided, single submitter. Criteria: EGL ClinVar v180209 classification definitions. Collection method: clinical testing. Allele origin: germline. Observed: 5 variant alleles, 5 heterozygotes.